The following is an entry in ClinVar:

NM_000179.3(MSH6):c.290G>C (p.Trp97Ser)

Gene: MSH6 (mutS homolog 6; plus strand). Cytogenetic location: 2p16.3.
Variant type: single nucleotide variant.
Coding change: c.290G>C on transcript NM_000179.3 (MANE Select); coding-DNA position 290, G replaced by C.
Protein change: p.Trp97Ser; replaces tryptophan 97 with serine.
Molecular consequence: missense variant. On other transcripts: 5 prime UTR variant (2), intron variant (1).
Genome position (GRCh38, 1-based): chr2:47,790,956, G>C. VCF-style: chr2-47790956-G-C. GRCh37 (hg19) VCF-style: chr2-48018095-G-C.
Other names: c.-447G>C (NM_001281493.2); c.-613G>C (NM_001281494.2); c.237+7486G>C (NM_001281492.2); short protein forms W97S.
Identifiers: ClinVar variation 1057861 (VCV001057861.11), dbSNP rs752680756, ClinGen allele CA069810.

ClinVar aggregate classification (germline): Uncertain significance (1 of 4 stars; one submission).

Conditions:
Hereditary nonpolyposis colorectal neoplasms. Identifiers: MedGen C0009405, MeSH D003123.

Allele frequency attached by ClinVar (database versions not stated): gnomAD exomes below 0.00001; ExAC 0.00001.
gnomAD v4.1: 1 of 1,614,162 alleles (0.000062%); highest among the groups gnomAD compares: Non-Finnish European, 0.000085%; no homozygotes.

Submission:

Labcorp Genetics (formerly Invitae), Labcorp
Classification: Uncertain significance for Hereditary nonpolyposis colorectal neoplasms. Last evaluated: 2023-09-12. Review status: criteria provided, single submitter. Criteria: Invitae Variant Classification Sherloc (09022015). Collection method: clinical testing. Allele origin: germline.
Comment: ClinVar contains an entry for this variant (Variation ID: 1057861). In summary, the available evidence is currently insufficient to determine the role of this variant in disease. Therefore, it has been classified as a Variant of Uncertain Significance. Advanced modeling of protein sequence and biophysical properties (such as structural, functional, and spatial information, amino acid conservation, physicochemical variation, residue mobility, and thermodynamic stability) performed at Invitae indicates that this missense variant is expected to disrupt MSH6 protein function. This variant has not been reported in the literature in individuals affected with MSH6-related conditions. This variant is present in population databases (rs752680756, gnomAD 0.0009%). This sequence change replaces tryptophan, which is neutral and slightly polar, with serine, which is neutral and polar, at codon 97 of the MSH6 protein (p.Trp97Ser).